The following is an entry in ClinVar:

ClinVar aggregate classification (germline): Uncertain significance (1 of 4 stars; one submission).

Conditions:
Retinitis pigmentosa 12 (RP12). Also called: RP WITH OR WITHOUT PPRPE; RP WITH OR WITHOUT PRESERVED PARAARTERIOLE RETINAL PIGMENT EPITHELIUM; RETINITIS PIGMENTOSA WITH OR WITHOUT PARAARTERIOLAR PRESERVATION OF RETINAL PIGMENT EPITHELIUM. Identifiers: Orphanet 791, MedGen C1838647, MONDO:0010818, OMIM 600105.
Leber congenital amaurosis 8 (LCA8). Identifiers: Orphanet 65, MedGen C3151202, MONDO:0013453, OMIM 613835.

Allele frequency attached by ClinVar (database versions not stated): gnomAD 0.00001; ExAC 0.00002; TOPMed 0.00002; ESP Exome Variant Server 0.00008.
gnomAD v4.1: 52 of 1,596,644 alleles (0.0033%); highest among the groups gnomAD compares: Non-Finnish European, 0.0037%; no homozygotes.

Submission:

Labcorp Genetics (formerly Invitae), Labcorp
Classification: Uncertain significance for Leber congenital amaurosis 8; Retinitis pigmentosa 12. Last evaluated: 2022-06-15. Review status: criteria provided, single submitter. Criteria: Invitae Variant Classification Sherloc (09022015). Collection method: clinical testing. Allele origin: germline.
Comment: This sequence change replaces histidine, which is basic and polar, with arginine, which is basic and polar, at codon 1199 of the CRB1 protein (p.His1199Arg). This variant is present in population databases (rs368991071, gnomAD 0.006%). This variant has not been reported in the literature in individuals affected with CRB1-related conditions. Advanced modeling of protein sequence and biophysical properties (such as structural, functional, and spatial information, amino acid conservation, physicochemical variation, residue mobility, and thermodynamic stability) performed at Invitae indicates that this missense variant is not expected to disrupt CRB1 protein function. In summary, the available evidence is currently insufficient to determine the role of this variant in disease. Therefore, it has been classified as a Variant of Uncertain Significance.

NM_201253.3(CRB1):c.3596A>G (p.His1199Arg)

Gene: CRB1 (crumbs cell polarity complex component 1; plus strand). Cytogenetic location: 1q31.3.
Variant type: single nucleotide variant.
Coding change: c.3596A>G on transcript NM_201253.3 (MANE Select); coding-DNA position 3596, A replaced by G.
Protein change: p.His1199Arg; replaces histidine 1199 with arginine.
Molecular consequence: missense variant. On other transcripts: non-coding transcript variant (2), intron variant (1).
Genome position (GRCh38, 1-based): chr1:197,435,459, A>G. VCF-style: chr1-197435459-A-G. GRCh37 (hg19) VCF-style: chr1-197404589-A-G.
Other names: c.3260A>G, p.His1087Arg (NM_001193640.2); c.3524A>G, p.His1175Arg (NM_001257965.2); c.2129-141A>G (NM_001257966.2); short protein forms H1087R, H1175R, H1199R.
Identifiers: ClinVar variation 2038606 (VCV002038606.1), dbSNP rs368991071, ClinGen allele CA1312360.
Genomic context (GRCh38, chr1:197,435,459, plus strand): 5'-ATGAATGCTTTTCAAACCCCTGTATCCATGGCAACTGCTCTGACAGAGTTGCAGCCTACC[A>G]CTGCACATGTGAGCCTGGATACACTGGTGTGAACTGTGAAGTGGATATAGACAACTGCCA-3'
Protein context (NP_957705.1, residues 1189-1209): GNCSDRVAAY[His1199Arg]CTCEPGYTGV